The following is an entry in ClinVar:

ClinVar aggregate classification (germline): Uncertain significance (1 of 4 stars; one submission).

Conditions:
Fanconi anemia (FA). Also called: Fanconi's anemia. Identifiers: Orphanet 84, MedGen C0015625, MeSH D005199, MONDO:0019391.

Submission:

Labcorp Genetics (formerly Invitae), Labcorp
Classification: Uncertain significance for Fanconi anemia. Last evaluated: 2022-08-12. Review status: criteria provided, single submitter. Criteria: Invitae Variant Classification Sherloc (09022015). Collection method: clinical testing. Allele origin: germline.
Comment: In summary, the available evidence is currently insufficient to determine the role of this variant in disease. Therefore, it has been classified as a Variant of Uncertain Significance. Advanced modeling of protein sequence and biophysical properties (such as structural, functional, and spatial information, amino acid conservation, physicochemical variation, residue mobility, and thermodynamic stability) performed at Invitae indicates that this missense variant is expected to disrupt FANCA protein function. This variant has not been reported in the literature in individuals affected with FANCA-related conditions. This variant is not present in population databases (gnomAD no frequency). This sequence change replaces leucine, which is neutral and non-polar, with arginine, which is basic and polar, at codon 214 of the FANCA protein (p.Leu214Arg).

NM_000135.4(FANCA):c.641T>G (p.Leu214Arg)

Gene: FANCA (FA complementation group A; minus strand). Cytogenetic location: 16q24.3.
Variant type: single nucleotide variant.
Coding change: c.641T>G on transcript NM_000135.4 (MANE Select); coding-DNA position 641, T replaced by G.
Protein change: p.Leu214Arg; replaces leucine 214 with arginine.
Molecular consequence: missense variant.
Genome position (GRCh38, 1-based): chr16:89,805,348, A>C on the plus strand (T>G on the coding strand, the complement: FANCA is on the minus strand). VCF-style: chr16-89805348-A-C. GRCh37 (hg19) VCF-style: chr16-89871756-A-C.
Other names: c.641T>G, p.Leu214Arg (NM_001018112.3, NM_001286167.3); c.545T>G, p.Leu182Arg (NM_001351830.2); short protein forms L182R, L214R.
Identifiers: ClinVar variation 1716149 (VCV001716149.5), dbSNP rs2544331290, ClinGen allele CA397478044.